The following is an entry in ClinVar:

ClinVar aggregate classification (germline): Pathogenic (1 of 4 stars; one submission).

Conditions:
Familial cancer of breast. Also called: Hereditary breast cancer; hereditary breast carcinoma; BREAST CANCER, FAMILIAL. Identifiers: Orphanet 227535, MedGen C0346153, MONDO:0016419, OMIM 114480. Disease mechanism: loss of function.
Fanconi anemia complementation group J. Also called: BRIP1-Related Fanconi Anemia. Identifiers: Orphanet 84, MedGen C1836860, MONDO:0012187, OMIM 609054.

Submission:

Labcorp Genetics (formerly Invitae), Labcorp
Classification: Pathogenic for Familial cancer of breast; Fanconi anemia complementation group J. Last evaluated: 2016-07-24. Review status: criteria provided, single submitter. Criteria: Invitae Variant Classification Sherloc (09022015). Collection method: clinical testing. Allele origin: germline.
Comment: For these reasons, this variant has been classified as Pathogenic. While this particular variant has not been reported in the literature, loss-of-function variants in BRIP1 are known to be pathogenic (PMID: 16116423, 17033622, 21964575). This sequence change inserts 4 nucleotides in exon 19 of the BRIP1 mRNA (c.2786_2789dupTATC), causing a frameshift at codon 931. This creates a premature translational stop signal (p.Pro931Ilefs*9) and is expected to result in an absent or disrupted protein product.

Literature cited by the submitters: PubMed 16116423; PubMed 17033622; PubMed 21964575.

NM_032043.3(BRIP1):c.2786_2789dup (p.Pro931fs)

Gene: BRIP1 (BRCA1 interacting DNA helicase 1; minus strand). Cytogenetic location: 17q23.2.
Variant type: Duplication.
Coding change: c.2786_2789dup on transcript NM_032043.3 (MANE Select); coding-DNA positions 2786 to 2789, 4 bases duplicated (TATC; older notation c.2786_2789dupTATC).
Protein change: p.Pro931fs; shifts the reading frame from proline 931.
Molecular consequence: frameshift variant.
Genome position (GRCh38, 1-based): chr17:61,685,952-61,685,955, GATA duplicated on the plus strand (TATC on the coding strand, the reverse complement: BRIP1 is on the minus strand); duplicating any 4 consecutive bases within chr17:61,685,952-61,685,958 gives the same sequence; the c. name uses the placement nearest the transcript's 3' end. VCF-style (leftmost placement, unchanged base first): chr17-61685951-T-TGATA. GRCh37 (hg19) VCF-style: chr17-59763312-T-TGATA.
Other names: c.2786_2789dupTATC (NM_032043.2); short protein forms P931fs.
Identifiers: ClinVar variation 407839 (VCV000407839.8), dbSNP rs1295703239, ClinGen allele CA16615477.